The following is an entry in ClinVar:

NM_004415.4(DSP):c.2650C>T (p.Gln884Ter)

Gene: DSP (desmoplakin; plus strand). Cytogenetic location: 6p24.3.
Variant type: single nucleotide variant.
Coding change: c.2650C>T on transcript NM_004415.4 (MANE Select); coding-DNA position 2650, C replaced by T.
Protein change: p.Gln884Ter; replaces glutamine 884 with a stop codon.
Molecular consequence: nonsense.
Genome position (GRCh38, 1-based): chr6:7,576,313, C>T. VCF-style: chr6-7576313-C-T. GRCh37 (hg19) VCF-style: chr6-7576546-C-T.
Other names: c.2650C>T, p.Gln884Ter (NM_001008844.3, NM_001319034.2); short protein forms Q884*.
Identifiers: ClinVar variation 1076691 (VCV001076691.7), dbSNP rs2113686466, ClinGen allele CA362681824.

ClinVar aggregate classification (germline): Pathogenic (1 of 4 stars; one submission).

Conditions:
Arrhythmogenic right ventricular dysplasia 8 (ARVD8). Also called: Arrhythmogenic Right Ventricular Dysplasia/Cardiomyopathy 8; ARRHYTHMOGENIC RIGHT VENTRICULAR DYSPLASIA, FAMILIAL, 8; ARRHYTHMOGENIC RIGHT VENTRICULAR CARDIOMYOPATHY 8. Identifiers: MedGen C1843896, MONDO:0011831, OMIM 607450.
Arrhythmogenic cardiomyopathy with wooly hair and keratoderma. Also called: Carvajal syndrome; PALMOPLANTAR KERATODERMA WITH LEFT VENTRICULAR CARDIOMYOPATHY AND WOOLLY HAIR; Arrhythmogenic cardiomyopathy with woolly hair and keratoderma; Dilated cardiomyopathy with woolly hair and keratoderma. Identifiers: Orphanet 65282, MedGen C1854063, MONDO:0011581, OMIM 605676.

Submission:

Labcorp Genetics (formerly Invitae), Labcorp
Classification: Pathogenic for Arrhythmogenic cardiomyopathy with wooly hair and keratoderma; Arrhythmogenic right ventricular dysplasia 8. Last evaluated: 2024-10-18. Review status: criteria provided, single submitter. Criteria: Invitae Variant Classification Sherloc (09022015). Collection method: clinical testing. Allele origin: germline.
Comment: This sequence change creates a premature translational stop signal (p.Gln884*) in the DSP gene. It is expected to result in an absent or disrupted protein product. Loss-of-function variants in DSP are known to be pathogenic (PMID: 20716751, 24503780, 25227139). This variant is not present in population databases (gnomAD no frequency). This variant has not been reported in the literature in individuals affected with DSP-related conditions. ClinVar contains an entry for this variant (Variation ID: 1076691). For these reasons, this variant has been classified as Pathogenic.

Literature cited by the submitters: PubMed 20716751; PubMed 24503780; PubMed 25227139.